The following is an entry in ClinVar:

NM_006979.3(SLC39A7):c.926A>C (p.Glu309Ala)

Gene: SLC39A7 (solute carrier family 39 member 7; plus strand). Cytogenetic location: 6p21.32.
Variant type: single nucleotide variant.
Coding change: c.926A>C on transcript NM_006979.3 (MANE Select); coding-DNA position 926, A replaced by C.
Protein change: p.Glu309Ala; replaces glutamic acid 309 with alanine.
Molecular consequence: missense variant.
Genome position (GRCh38, 1-based): chr6:33,202,686, A>C. VCF-style: chr6-33202686-A-C. GRCh37 (hg19) VCF-style: chr6-33170463-A-C.
Other names: c.926A>C, p.Glu309Ala (NM_001077516.2); c.551A>C, p.Glu184Ala (NM_001288777.2); short protein forms E184A, E309A.
Identifiers: ClinVar variation 3682430 (VCV003682430.2).

ClinVar aggregate classification (germline): Uncertain significance (1 of 4 stars; one submission).

Submission:

Labcorp Genetics (formerly Invitae), Labcorp
Classification: Uncertain significance. Last evaluated: 2024-05-19. Review status: criteria provided, single submitter. Criteria: Invitae Variant Classification Sherloc (09022015). Collection method: clinical testing. Allele origin: germline.
Comment: This sequence change replaces glutamic acid, which is acidic and polar, with alanine, which is neutral and non-polar, at codon 309 of the SLC39A7 protein (p.Glu309Ala). This variant is not present in population databases (gnomAD no frequency). This variant has not been reported in the literature in individuals affected with SLC39A7-related conditions. An algorithm developed to predict the effect of missense changes on protein structure and function (PolyPhen-2) suggests that this variant is likely to be tolerated. In summary, the available evidence is currently insufficient to determine the role of this variant in disease. Therefore, it has been classified as a Variant of Uncertain Significance.